The following is an entry in ClinVar:

NM_003982.4(SLC7A7):c.380T>C (p.Ile127Thr)

Gene: SLC7A7 (solute carrier family 7 member 7; minus strand). Cytogenetic location: 14q11.2.
Variant type: single nucleotide variant.
Coding change: c.380T>C on transcript NM_003982.4 (MANE Select); coding-DNA position 380, T replaced by C.
Protein change: p.Ile127Thr; replaces isoleucine 127 with threonine.
Molecular consequence: missense variant.
Genome position (GRCh38, 1-based): chr14:22,813,019, A>G on the plus strand (T>C on the coding strand, the complement: SLC7A7 is on the minus strand). VCF-style: chr14-22813019-A-G. GRCh37 (hg19) VCF-style: chr14-23282228-A-G.
Other names: c.380T>C (NM_001126106.2); c.380T>C, p.Ile127Thr (NM_001126105.3, NM_001126106.4); short protein forms I127T.
Identifiers: ClinVar variation 1018172 (VCV001018172.11), dbSNP rs764284986, ClinGen allele CA7104718.
Genomic context (GRCh38, chr14:22,813,019, plus strand): 5'-AGAGGCTGTACCATGTAGTTGGCAAAGGTGATGGCAATGATGGCCTGGCTGGTGGGCTCA[A>G]TGATGAGCAGGGAGGTCCAGAGTCTGATGAAAGCAAGGAATCCTCCAAAGGCCTCCAGGA-3'
Protein context (NP_003973.3, residues 117-137): FIRLWTSLLI[Ile127Thr]EPTSQAIIAI

ClinVar aggregate classification (germline): Uncertain significance. Review status: criteria provided, multiple submitters, no conflicts (2 of 4 stars). 4 submissions from 4 submitters: Uncertain significance (3). 1 of the submissions does not count toward it. Last evaluated 2025-12-02.

Conditions:
Inborn genetic diseases. Identifiers: MedGen C0950123, MeSH D030342.
Lysinuric protein intolerance (LPI). Identifiers: Orphanet 470, MedGen C0268647, MONDO:0009109, OMIM 222700.

Allele frequency attached by ClinVar (database versions not stated): gnomAD 0.00001 and 0.00002; ExAC 0.00002; gnomAD exomes 0.00002 and 0.00003; TOPMed 0.00002.
gnomAD v4.1: 44 of 1,613,978 alleles (0.0027%); highest among the groups gnomAD compares: South Asian, 0.0055%; no homozygotes.

Submissions (4):

Labcorp Genetics (formerly Invitae), Labcorp
Classification: Uncertain significance for Lysinuric protein intolerance. Last evaluated: 2025-12-02. Review status: criteria provided, single submitter. Criteria: Invitae Variant Classification Sherloc (09022015). Collection method: clinical testing. Allele origin: germline.
Comment: This sequence change replaces isoleucine, which is neutral and non-polar, with threonine, which is neutral and polar, at codon 127 of the SLC7A7 protein (p.Ile127Thr). The frequency data for this variant in the population databases is considered unreliable, as metrics indicate poor data quality at this position in the gnomAD database. This variant has not been reported in the literature in individuals affected with SLC7A7-related conditions. ClinVar contains an entry for this variant (Variation ID: 1018172). An algorithm developed to predict the effect of missense changes on protein structure and function (PolyPhen-2) suggests that this variant is likely to be disruptive. In summary, the available evidence is currently insufficient to determine the role of this variant in disease. Therefore, it has been classified as a Variant of Uncertain Significance.

Ambry Genetics
Classification: Uncertain significance for Inborn genetic diseases. Last evaluated: 2025-05-26. Review status: criteria provided, single submitter. Criteria: Ambry Variant Classification Scheme 2023. Collection method: clinical testing. Allele origin: germline.

Blueprint Genetics
Classification: Uncertain significance. Last evaluated: 2024-08-01. Review status: criteria provided, single submitter. Criteria: ACMG Guidelines, 2015. Collection method: clinical testing. Allele origin: germline.

Natera, Inc.
Classification: Uncertain significance for Lysinuric protein intolerance. Last evaluated: 2020-09-11. Review status: no assertion criteria provided. Collection method: clinical testing. Allele origin: germline. Not counted in ClinVar's aggregate classification.